The following is an entry in ClinVar:

NM_013382.7(POMT2):c.148C>G (p.Arg50Gly)

Gene: POMT2 (protein O-mannosyltransferase 2; minus strand). Cytogenetic location: 14q24.3.
Variant type: single nucleotide variant.
Coding change: c.148C>G on transcript NM_013382.7 (MANE Select); coding-DNA position 148, C replaced by G.
Protein change: p.Arg50Gly; replaces arginine 50 with glycine.
Molecular consequence: missense variant.
Genome position (GRCh38, 1-based): chr14:77,320,534, G>C on the plus strand (C>G on the coding strand, the complement: POMT2 is on the minus strand). VCF-style: chr14-77320534-G-C. GRCh37 (hg19) VCF-style: chr14-77786877-G-C.
Other names: short protein forms R50G.
Identifiers: ClinVar variation 211948 (VCV000211948.22), dbSNP rs550420394, ClinGen allele CA206414.

ClinVar aggregate classification (germline): Uncertain significance. Review status: criteria provided, multiple submitters, no conflicts (2 of 4 stars). 5 submissions from 5 submitters: Uncertain significance (5). Last evaluated 2023-12-18.

Conditions:
Inborn genetic diseases. Identifiers: MedGen C0950123, MeSH D030342.
Muscular dystrophy-dystroglycanopathy (congenital with brain and eye anomalies), type A2. Also called: MUSCULAR DYSTROPHY-DYSTROGLYCANOPATHY (CONGENITAL WITH BRAIN AND EYE ANOMALIES), TYPE A, 2; WALKER-WARBURG SYNDROME OR MUSCLE-EYE-BRAIN DISEASE, POMT2-RELATED. Identifiers: Orphanet 588, Orphanet 899, MedGen C3150411, MONDO:0013154, OMIM 613150.
Muscular dystrophy-dystroglycanopathy (congenital with impaired intellectual development), type B, 2. Also called: Muscular dystrophy-dystroglycanopathy (congenital with intellectual disability), type B2; MUSCULAR DYSTROPHY, CONGENITAL, POMT2-RELATED. Identifiers: MedGen C3150416, MONDO:0013160, OMIM 613156.
Autosomal recessive limb-girdle muscular dystrophy type 2N. Also called: Muscular dystrophy-dystroglycanopathy (limb-girdle), type C, 2; MUSCULAR DYSTROPHY-DYSTROGLYCANOPATHY, LIMB-GIRDLE, POMT2-RELATED. Identifiers: Orphanet 206559, MedGen C3150418, MONDO:0013162, OMIM 613158.

Allele frequency attached by ClinVar (database versions not stated): TOPMed 0.00003; gnomAD exomes 0.00013; 1000 Genomes Project 0.00040; 1000 Genomes Project 30x 0.00047; ExAC 0.00048.

Submissions (5):

Revvity Omics, Revvity
Classification: Uncertain significance. Last evaluated: 2023-12-18. Review status: criteria provided, single submitter. Criteria: ACMG Guidelines, 2015. Collection method: clinical testing. Allele origin: germline.

Labcorp Genetics (formerly Invitae), Labcorp
Classification: Uncertain significance for Muscular dystrophy-dystroglycanopathy (congenital with impaired intellectual development), type B, 2; Muscular dystrophy-dystroglycanopathy (congenital with brain and eye anomalies), type A2; Autosomal recessive limb-girdle muscular dystrophy type 2N. Last evaluated: 2022-08-09. Review status: criteria provided, single submitter. Criteria: Invitae Variant Classification Sherloc (09022015). Collection method: clinical testing. Allele origin: germline.
Comment: This sequence change replaces arginine, which is basic and polar, with glycine, which is neutral and non-polar, at codon 50 of the POMT2 protein (p.Arg50Gly). This variant is present in population databases (rs550420394, gnomAD 0.04%). This variant has not been reported in the literature in individuals affected with POMT2-related conditions. ClinVar contains an entry for this variant (Variation ID: 211948). Algorithms developed to predict the effect of missense changes on protein structure and function output the following: SIFT: "Tolerated"; PolyPhen-2: "Benign"; Align-GVGD: "Class C0". The glycine amino acid residue is found in multiple mammalian species, which suggests that this missense change does not adversely affect protein function. Algorithms developed to predict the effect of sequence changes on RNA splicing suggest that this variant may create or strengthen a splice site. In summary, the available evidence is currently insufficient to determine the role of this variant in disease. Therefore, it has been classified as a Variant of Uncertain Significance.

Ambry Genetics
Classification: Uncertain significance for Inborn genetic diseases. Last evaluated: 2022-03-29. Review status: criteria provided, single submitter. Criteria: Ambry Variant Classification Scheme 2023. Collection method: clinical testing. Allele origin: germline.

Mayo Clinic Laboratories, Mayo Clinic
Classification: Uncertain significance. Last evaluated: 2020-06-12. Review status: criteria provided, single submitter. Criteria: ACMG Guidelines, 2015. Collection method: clinical testing. Allele origin: germline. Observed: 1 variant allele.

Genetic Services Laboratory, University of Chicago
Classification: Uncertain significance. Last evaluated: 2014-10-31. Review status: criteria provided, single submitter. Criteria: ACMG Guidelines, 2015. Collection method: clinical testing. Allele origin: germline.